The following is an entry in ClinVar:

ClinVar aggregate classification (germline): Uncertain significance. Review status: criteria provided, multiple submitters, no conflicts (2 of 4 stars). 3 submissions from 3 submitters: Uncertain significance (3). Last evaluated 2025-08-25.

Conditions:
Frontotemporal dementia and/or amyotrophic lateral sclerosis 1 (FTDALS1). Also called: Frontotemporal dementia with motor neuron disease 1; C9orf72 Frontotemporal Dementia and/or Amyotrophic Lateral Sclerosis. Identifiers: Orphanet 275872, MedGen C5779877, MONDO:0007105, OMIM 105550.
Paget disease of bone 2, early-onset (PDB2). Also called: Paget disease of bone 2. Identifiers: MedGen C4085251, MONDO:0011183, OMIM 602080.

Allele frequency attached by ClinVar (database versions not stated): gnomAD 0.00001 and 0.00002; gnomAD exomes 0.00001 and 0.00007; TOPMed 0.00003.

Submissions (3):

GeneDx
Classification: Uncertain significance. Last evaluated: 2025-08-25. Review status: criteria provided, single submitter. Criteria: GeneDx Variant Classification Process June 2021. Collection method: clinical testing. Allele origin: germline. Affected: yes.
Comment: Reported previously in multiple unrelated individuals with frontotemporal lobar degeneration (FTLD) or amyotrophic lateral sclerosis (ALS); however,it is unknown whether some individuals were tested for variants in other genes associated with this phenotype (PMID: 24899140, 27163810, 22972638); Functional studies have shown conflicting results regarding the variant's effect on protein function; therefore, additional studies are needed to validate the functional effect of this variant in vivo (PMID: 34774801, 39009827, 27554286); Not observed at significant frequency in large population cohorts (gnomAD); In silico analysis supports that this missense variant has a deleterious effect on protein structure/function; This variant is associated with the following publications: (PMID: 24899140, 27554286, 28169082, 27163810, 22972638, 24486447, 40225153, 39009827, 34774801, 35896380)

Labcorp Genetics (formerly Invitae), Labcorp
Classification: Uncertain significance for Paget disease of bone 2, early-onset; Frontotemporal dementia and/or amyotrophic lateral sclerosis 1. Last evaluated: 2025-08-13. Review status: criteria provided, single submitter. Criteria: Invitae Variant Classification Sherloc (09022015). Collection method: clinical testing. Allele origin: germline.
Comment: This sequence change replaces proline, which is neutral and non-polar, with leucine, which is neutral and non-polar, at codon 348 of the SQSTM1 protein (p.Pro348Leu). This variant is present in population databases (rs772889843, gnomAD 0.002%). This missense change has been observed in individual(s) with amyotrophic lateral sclerosis and/or frontotemporal lobar degeneration (PMID: 22972638, 24899140). This variant is also known as c.1044C>T. ClinVar contains an entry for this variant (Variation ID: 420166). Invitae Evidence Modeling of protein sequence and biophysical properties (such as structural, functional, and spatial information, amino acid conservation, physicochemical variation, residue mobility, and thermodynamic stability) indicates that this missense variant is expected to disrupt SQSTM1 protein function with a positive predictive value of 80%. Experimental studies have shown that this missense change affects SQSTM1 function (PMID: 27554286, 34774801, 39009827). In summary, the available evidence is currently insufficient to determine the role of this variant in disease. Therefore, it has been classified as a Variant of Uncertain Significance.

Mayo Clinic Laboratories, Mayo Clinic
Classification: Uncertain significance. Last evaluated: 2024-02-01. Review status: criteria provided, single submitter. Criteria: ACMG Guidelines, 2015. Collection method: clinical testing. Allele origin: germline. Observed: 1 variant allele.

Literature cited by the submitters: PubMed 22972638 (cited by Labcorp Genetics (formerly Invitae), Labcorp and Mayo Clinic Laboratories, Mayo Clinic); PubMed 24899140 (cited by Labcorp Genetics (formerly Invitae), Labcorp and Mayo Clinic Laboratories, Mayo Clinic); PubMed 27554286 (cited by Labcorp Genetics (formerly Invitae), Labcorp and Mayo Clinic Laboratories, Mayo Clinic); PubMed 34774801 (cited by Labcorp Genetics (formerly Invitae), Labcorp); PubMed 39009827 (cited by Labcorp Genetics (formerly Invitae), Labcorp); PubMed 35896380 (cited by Mayo Clinic Laboratories, Mayo Clinic).

NM_003900.5(SQSTM1):c.1043C>T (p.Pro348Leu)

Gene: SQSTM1 (sequestosome 1; plus strand). Cytogenetic location: 5q35.3.
Variant type: single nucleotide variant.
Coding change: c.1043C>T on transcript NM_003900.5 (MANE Select); coding-DNA position 1043, C replaced by T.
Protein change: p.Pro348Leu; replaces proline 348 with leucine.
Molecular consequence: missense variant.
Genome position (GRCh38, 1-based): chr5:179,833,660, C>T. VCF-style: chr5-179833660-C-T. GRCh37 (hg19) VCF-style: chr5-179260660-C-T.
Other names: p.Pro348Leu; c.791C>T, p.Pro264Leu (NM_001142298.2, NM_001142299.2); short protein forms P264L, P348L.
Identifiers: ClinVar variation 420166 (VCV000420166.12), dbSNP rs772889843, ClinGen allele CA16618194.